The following is an entry in ClinVar:

NM_001737.5(C9):c.577del (p.Tyr193fs)

Gene: C9 (complement C9; minus strand). Cytogenetic location: 5p13.1.
Variant type: Deletion.
Coding change: c.577del on transcript NM_001737.5 (MANE Select); coding-DNA position 577, one base deleted (T; older notation c.577delT).
Protein change: p.Tyr193fs; shifts the reading frame from tyrosine 193.
Molecular consequence: frameshift variant.
Genome position (GRCh38, 1-based): chr5:39,331,714, A deleted on the plus strand (T on the coding strand, the reverse complement: C9 is on the minus strand). VCF-style (leftmost placement, unchanged base first): chr5-39331713-TA-T. GRCh37 (hg19) VCF-style: chr5-39331815-TA-T.
Other names: c.577del (LRG_32t1); short protein forms Y193fs.
Identifiers: ClinVar variation 402245 (VCV000402245.7), dbSNP rs778518669, ClinGen allele CA3246961.
Genomic context (GRCh38, chr5:39,331,713, plus strand): 5'-TGTTTTCCTCCGAGGAGACTTACTTCATAGATCAAAGAAGCCACGTTCCAAGGTCTTCGG[TA>T]GTATGTCAGAGTGTTTCCATCCCGATCCCGGTTACAGAGTCCATTGTAGAACTCATTGTC-3'

ClinVar aggregate classification (germline): Pathogenic/Likely pathogenic. Review status: criteria provided, multiple submitters, no conflicts (2 of 4 stars). 4 submissions from 4 submitters: Pathogenic (2); Likely pathogenic (2). Last evaluated 2026-01-11.

Conditions:
C9-related disorders.
Complement component 9 deficiency (C9D). Also called: C9 deficiency. Identifiers: MedGen C3151189, MONDO:0013445, OMIM 613825.

Allele frequency attached by ClinVar (database versions not stated): gnomAD exomes below 0.00001 and 0.00001; ExAC 0.00001; gnomAD 0.00001; TOPMed 0.00001.

Submissions (4):

Labcorp Genetics (formerly Invitae), Labcorp
Classification: Pathogenic. Last evaluated: 2026-01-11. Review status: criteria provided, single submitter. Criteria: Invitae Variant Classification Sherloc (09022015). Collection method: clinical testing. Allele origin: germline.
Comment: This sequence change creates a premature translational stop signal (p.Tyr193Thrfs*10) in the C9 gene. It is expected to result in an absent or disrupted protein product. Loss-of-function variants in C9 are known to be pathogenic (PMID: 9144525, 9570574). This variant is not present in population databases (gnomAD no frequency). This premature translational stop signal has been observed in individual(s) with clinical features of C9 deficiency (PMID: 28617419). ClinVar contains an entry for this variant (Variation ID: 402245). For these reasons, this variant has been classified as Pathogenic.

Variantyx, Inc.
Classification: Pathogenic for Complement component 9 deficiency. Last evaluated: 2025-03-06. Review status: criteria provided, single submitter. Criteria: Variantyx Assertion Criteria 2022. Collection method: clinical testing. Allele origin: germline.
Comment: This is a frameshift variant in the C9 gene (OMIM: 120940). Pathogenic variants in this gene have been associated with autosomal recessive C9 deficiency. This variant introduces a premature termination codon in exon 5 out of 11. It is expected to result in loss of function, which is a known disease mechanism for C9 in this disorder (PMID: 9144525, 9570574) (PVS1). This variant has been identified in the homozygous or compound heterozygous state in one or more of the following: the current proband, at least one individual(s) from the published literature (PMID: 28617419), or previous internal cases (PM3). This variant has a 0.0008477% maximum allele frequency in non-founder control populations (PM2_Supporting). Based on the current evidence, this variant is classified as pathogenic for autosomal recessive C9 deficiency.

Blueprint Genetics
Classification: Likely pathogenic for C9-related disorders. Last evaluated: 2022-08-09. Review status: criteria provided, single submitter. Criteria: ACMG Guidelines, 2015. Collection method: clinical testing. Allele origin: germline. Affected: yes. Observed: 1 variant allele.

ITMI
Classification: Likely pathogenic for Complement Component 9 deficiency. Last evaluated: 2017-02-28. Review status: criteria provided, single submitter. Criteria: Submitter's publication. Collection method: research. Allele origin: germline.

Literature cited by the submitters: PubMed 9144525 (cited by Labcorp Genetics (formerly Invitae), Labcorp); PubMed 9570574 (cited by Labcorp Genetics (formerly Invitae), Labcorp); PubMed 28617419 (cited by Labcorp Genetics (formerly Invitae), Labcorp).